The following is an entry in ClinVar:

ClinVar aggregate classification (germline): Uncertain significance (1 of 4 stars; one submission).

Allele frequency attached by ClinVar (database versions not stated): TOPMed below 0.00001; gnomAD exomes 0.00001.
gnomAD v4.1: 17 of 1,611,744 alleles (0.0011%); highest among the groups gnomAD compares: Non-Finnish European, 0.0014%; no homozygotes.

Submission:

Centre for Mendelian Genomics, University Medical Centre Ljubljana
Classification: Uncertain significance. Last evaluated: 2018-11-21. Review status: criteria provided, single submitter. Criteria: ACMG Guidelines, 2015. Collection method: clinical testing. Allele origin: unknown. Affected: yes.
Comment: This variant was classified as: Uncertain significance. The available evidence on this variant's pathogenicity is insufficient or conflicting. The following ACMG criteria were applied in classifying this variant: PM2,PP3.

NM_001796.5(CDH8):c.749G>A (p.Gly250Asp)

Gene: CDH8 (cadherin 8; minus strand). Cytogenetic location: 16q21.
Variant type: single nucleotide variant.
Coding change: c.749G>A on transcript NM_001796.5 (MANE Select); coding-DNA position 749, G replaced by A.
Protein change: p.Gly250Asp; replaces glycine 250 with aspartic acid.
Molecular consequence: missense variant.
Genome position (GRCh38, 1-based): chr16:61,825,098, C>T on the plus strand (G>A on the coding strand, the complement: CDH8 is on the minus strand). VCF-style: chr16-61825098-C-T. GRCh37 (hg19) VCF-style: chr16-61859002-C-T.
Other names: short protein forms G250D.
Identifiers: ClinVar variation 931967 (VCV000931967.3), dbSNP rs1962299903, ClinGen allele CA396184734.